The following is an entry in ClinVar:

NM_004415.4(DSP):c.3646A>G (p.Ile1216Val)

Gene: DSP (desmoplakin; plus strand). Cytogenetic location: 6p24.3.
Variant type: single nucleotide variant.
Coding change: c.3646A>G on transcript NM_004415.4 (MANE Select); coding-DNA position 3646, A replaced by G.
Protein change: p.Ile1216Val; replaces isoleucine 1216 with valine.
Molecular consequence: missense variant. On other transcripts: intron variant (1).
Genome position (GRCh38, 1-based): chr6:7,579,836, A>G. VCF-style: chr6-7579836-A-G. GRCh37 (hg19) VCF-style: chr6-7580069-A-G.
Other names: p.I1216V:ATT>GTT; c.3646A>G, p.Ile1216Val (NM_001319034.2); c.3582+64A>G (NM_001008844.3); short protein forms I1216V.
Identifiers: ClinVar variation 44894 (VCV000044894.32), dbSNP rs199795359, ClinGen allele CA004419.

ClinVar aggregate classification (germline): Conflicting classifications of pathogenicity. Review status: criteria provided, conflicting classifications (1 of 4 stars). 7 submissions from 7 submitters: Uncertain significance (2); Benign (1); Likely benign (3). 1 of the submissions does not count toward it. Last evaluated 2025-07-20.

Conditions:
Cardiovascular phenotype. Identifiers: MedGen CN230736.
Arrhythmogenic cardiomyopathy with wooly hair and keratoderma. Also called: Dilated cardiomyopathy with woolly hair and keratoderma; Arrhythmogenic cardiomyopathy with woolly hair and keratoderma; PALMOPLANTAR KERATODERMA WITH LEFT VENTRICULAR CARDIOMYOPATHY AND WOOLLY HAIR; Carvajal syndrome. Identifiers: Orphanet 65282, MedGen C1854063, MONDO:0011581, OMIM 605676.
Arrhythmogenic right ventricular dysplasia 8 (ARVD8). Also called: Arrhythmogenic Right Ventricular Dysplasia/Cardiomyopathy 8; ARRHYTHMOGENIC RIGHT VENTRICULAR DYSPLASIA, FAMILIAL, 8; ARRHYTHMOGENIC RIGHT VENTRICULAR CARDIOMYOPATHY 8. Identifiers: MedGen C1843896, MONDO:0011831, OMIM 607450.
Cardiomyopathy (CMYO). Also called: Cardiomyopathies. Identifiers: Orphanet 167848, MedGen C0878544, MONDO:0004994, HP:0001638. Inheritance: Various modes of inheritance.

Allele frequency attached by ClinVar (database versions not stated): gnomAD 0.00011 and 0.00012; ExAC 0.00017; gnomAD exomes 0.00020 and 0.00003; 1000 Genomes Project 0.00060; 1000 Genomes Project 30x 0.00062; TOPMed 0.00008.
gnomAD v4.1: 57 of 1,614,176 alleles (0.0035%); highest among the groups gnomAD compares: East Asian, 0.12%; no homozygotes.

Submissions (7):

Labcorp Genetics (formerly Invitae), Labcorp
Classification: Likely benign for Arrhythmogenic cardiomyopathy with wooly hair and keratoderma; Arrhythmogenic right ventricular dysplasia 8. Last evaluated: 2025-07-20. Review status: criteria provided, single submitter. Criteria: Invitae Variant Classification Sherloc (09022015). Collection method: clinical testing. Allele origin: germline.

CHEO Genetics Diagnostic Laboratory, Children's Hospital of Eastern Ontario
Classification: Benign for Cardiomyopathy. Last evaluated: 2021-05-03. Review status: criteria provided, single submitter. Criteria: ACMG Guidelines, 2015. Collection method: clinical testing. Allele origin: germline.

Color Diagnostics, LLC DBA Color Health
Classification: Likely benign for Cardiomyopathy. Last evaluated: 2018-11-05. Review status: criteria provided, single submitter. Criteria: ACMG Guidelines, 2015. Collection method: clinical testing. Allele origin: germline.

Ambry Genetics
Classification: Likely benign for Cardiovascular phenotype. Last evaluated: 2018-04-10. Review status: criteria provided, single submitter. Criteria: Ambry Variant Classification Scheme 2023. Collection method: clinical testing. Allele origin: germline.

Biesecker Lab/Clinical Genomics Section, National Institutes of Health
Classification: Uncertain significance. Last evaluated: 2013-06-24. Review status: criteria provided, single submitter. Criteria: Ng et al. (Circ Cardiovasc Genet. 2013). Collection method: research. Allele origin: unknown. Observed: 1 variant allele. Study: ClinSeq.
Comment: The study set was not selected for affection status in relation to any cancer. Pathogenicity categories were based on literature curation. See Pubmed ID:23861362 for details.

Medical sequencing

GeneDx
Classification: Uncertain significance. Last evaluated: 2013-03-08. Review status: criteria provided, single submitter. Criteria: GeneDx Variant Classification (06012015). Collection method: clinical testing. Allele origin: germline. Affected: yes.
Comment: p.Ile1216Val (ATT>GTT): c.3646 A>G in exon 23 of the DSP gene (NM_004415.2). The Ile1216Val variant in the DSP gene has not been reported as a disease-causing mutation or as a benign polymorphism to our knowledge. Although Ile1216Val results in a conservative amino acid substitution of one non-polar amino acid for another, this substitution occurs at a position that is conserved across species. The Ile1216Val variant was not observed in approximately 6000 individuals of European and African American ancestry in the NHLBI Exome Sequencing Project, indicating it is not a common benign variant in these populations. However, Ile1216Val was observed in 0.4% of Asian alleles in the 1000 Genomes database. In silico algorithms are not consistent in their predictions but at least two concur that Ile1216Val is benign to the protein structure/function. In addition, mutations in nearby residues have not been reported (van der Zwaag P et al., 2009) indicating this region of the protein may tolerate change. With the clinical and molecular information available at this time, we cannot definitively determine if Ile1216Val is a disease-causing mutation or a rare benign variant. The variant is found in ARVC panel(s).

Laboratory for Molecular Medicine, Mass General Brigham Personalized Medicine
Classification: Uncertain significance. Last evaluated: 2008-03-01. Review status: no assertion criteria provided. Collection method: clinical testing. Allele origin: germline. Observed: 1 variant allele. Not counted in ClinVar's aggregate classification.

Literature cited by the submitters: PubMed 23861362 (cited by Ambry Genetics).